The following is an entry in ClinVar:

NM_001378609.3(OTOGL):c.2790-5A>C

Gene: OTOGL (otogelin like; plus strand). Cytogenetic location: 12q21.31.
Variant type: single nucleotide variant.
Coding change: c.2790-5A>C on transcript NM_001378609.3 (MANE Select); 5 bases into the intron before coding-DNA position 2790, A replaced by C.
Molecular consequence: intron variant.
Genome position (GRCh38, 1-based): chr12:80,279,023, A>C. VCF-style: chr12-80279023-A-C. GRCh37 (hg19) VCF-style: chr12-80672803-A-C.
Other names: c.2790-5A>C (NM_001368062.3, NM_001378610.3, NM_173591.7).
Identifiers: ClinVar variation 4982141 (VCV004982141.1).
Genomic context (GRCh38, chr12:80,279,023, plus strand): 5'-TGTCACTTGAAATCACTAGTTAGAGTCGTTTCTTTAGAAAGGTAACTTTTGTTATTTTTT[A>C]ATAGCGTTTGTCGACGAGGAATGTTCAATTGCACATATTATCCATGCCCAGCAGTGTGCA-3'

ClinVar aggregate classification (germline): Likely benign (1 of 4 stars; one submission).

Conditions:
OTOGL-related disorder. Also called: OTOGL-related condition.

Submission:

PreventionGenetics, part of Exact Sciences
Classification: Likely benign for OTOGL-related condition. Last evaluated: 2024-10-07. Review status: criteria provided, single submitter. Criteria: ACMG Guidelines, 2015. Collection method: clinical testing. Allele origin: germline.
Comment: This variant is classified as likely benign based on ACMG/AMP sequence variant interpretation guidelines (Richards et al. 2015 PMID: 25741868, with internal and published modifications).